The following is an entry in ClinVar:

NM_025009.5(CEP135):c.92C>G (p.Pro31Arg)

Gene: CEP135 (centrosomal protein 135; plus strand). Cytogenetic location: 4q12.
Variant type: single nucleotide variant.
Coding change: c.92C>G on transcript NM_025009.5 (MANE Select); coding-DNA position 92, C replaced by G.
Protein change: p.Pro31Arg; replaces proline 31 with arginine.
Molecular consequence: missense variant.
Genome position (GRCh38, 1-based): chr4:55,952,222, C>G. VCF-style: chr4-55952222-C-G. GRCh37 (hg19) VCF-style: chr4-56818388-C-G.
Other names: short protein forms P31R.
Identifiers: ClinVar variation 2131766 (VCV002131766.4), dbSNP rs2476003156, ClinGen allele CA356963888.

ClinVar aggregate classification (germline): Uncertain significance (1 of 4 stars; one submission).

Submission:

Labcorp Genetics (formerly Invitae), Labcorp
Classification: Uncertain significance. Last evaluated: 2022-04-29. Review status: criteria provided, single submitter. Criteria: Invitae Variant Classification Sherloc (09022015). Collection method: clinical testing. Allele origin: germline.
Comment: This variant has not been reported in the literature in individuals affected with CEP135-related conditions. In summary, the available evidence is currently insufficient to determine the role of this variant in disease. Therefore, it has been classified as a Variant of Uncertain Significance. Algorithms developed to predict the effect of missense changes on protein structure and function are either unavailable or do not agree on the potential impact of this missense change (SIFT: "Deleterious"; PolyPhen-2: "Probably Damaging"; Align-GVGD: "Class C0"). This variant is not present in population databases (gnomAD no frequency). This sequence change replaces proline, which is neutral and non-polar, with arginine, which is basic and polar, at codon 31 of the CEP135 protein (p.Pro31Arg).